The following is an entry in ClinVar:

NM_020778.5(ALPK3):c.2493G>T (p.Gln831His)

Gene: ALPK3 (alpha kinase 3; plus strand). Cytogenetic location: 15q25.3.
Variant type: single nucleotide variant.
Coding change: c.2493G>T on transcript NM_020778.5 (MANE Select); coding-DNA position 2493, G replaced by T.
Protein change: p.Gln831His; replaces glutamine 831 with histidine.
Molecular consequence: missense variant.
Genome position (GRCh38, 1-based): chr15:84,857,231, G>T. VCF-style: chr15-84857231-G-T. GRCh37 (hg19) VCF-style: chr15-85400462-G-T.
Other names: short protein forms Q831H.
Identifiers: ClinVar variation 2858268 (VCV002858268.3), dbSNP rs768121829, ClinGen allele CA7709425.

ClinVar aggregate classification (germline): Uncertain significance (1 of 4 stars; one submission).

Allele frequency attached by ClinVar (database versions not stated): TOPMed below 0.00001; ExAC 0.00001; gnomAD exomes 0.00001.

Submission:

Labcorp Genetics (formerly Invitae), Labcorp
Classification: Uncertain significance. Last evaluated: 2023-09-17. Review status: criteria provided, single submitter. Criteria: Invitae Variant Classification Sherloc (09022015). Collection method: clinical testing. Allele origin: germline.
Comment: In summary, the available evidence is currently insufficient to determine the role of this variant in disease. Therefore, it has been classified as a Variant of Uncertain Significance. An algorithm developed to predict the effect of missense changes on protein structure and function (PolyPhen-2) suggests that this variant is likely to be disruptive. This variant has not been reported in the literature in individuals affected with ALPK3-related conditions. This variant is present in population databases (rs768121829, gnomAD 0.003%). This sequence change replaces glutamine, which is neutral and polar, with histidine, which is basic and polar, at codon 1033 of the ALPK3 protein (p.Gln1033His).